The following is an entry in ClinVar:

NM_014974.3(DIP2C):c.1030G>A (p.Gly344Arg)

Gene: DIP2C (DIP2 acetate--CoA ligase C (putative); minus strand). Cytogenetic location: 10p15.3.
Variant type: single nucleotide variant.
Coding change: c.1030G>A on transcript NM_014974.3 (MANE Select); coding-DNA position 1030, G replaced by A.
Protein change: p.Gly344Arg; replaces glycine 344 with arginine.
Molecular consequence: missense variant.
Genome position (GRCh38, 1-based): chr10:413,940, C>T on the plus strand (G>A on the coding strand, the complement: DIP2C is on the minus strand). VCF-style: chr10-413940-C-T. GRCh37 (hg19) VCF-style: chr10-459880-C-T.
Other names: short protein forms G344R.
Identifiers: ClinVar variation 3674899 (VCV003674899.2).

ClinVar aggregate classification (germline): Uncertain significance (1 of 4 stars; one submission).

Submission:

Labcorp Genetics (formerly Invitae), Labcorp
Classification: Uncertain significance. Last evaluated: 2025-01-07. Review status: criteria provided, single submitter. Criteria: Invitae Variant Classification Sherloc (09022015). Collection method: clinical testing. Allele origin: germline.
Comment: This sequence change replaces glycine, which is neutral and non-polar, with arginine, which is basic and polar, at codon 344 of the DIP2C protein (p.Gly344Arg). This variant is not present in population databases (gnomAD no frequency). This variant has not been reported in the literature in individuals affected with DIP2C-related conditions. An algorithm developed to predict the effect of missense changes on protein structure and function (PolyPhen-2) suggests that this variant is likely to be disruptive. In summary, the available evidence is currently insufficient to determine the role of this variant in disease. Therefore, it has been classified as a Variant of Uncertain Significance.